The following is an entry in ClinVar:

NM_178170.3(NEK8):c.284G>A (p.Arg95His)

Gene: NEK8 (NIMA related kinase 8; plus strand). Cytogenetic location: 17q11.2.
Variant type: single nucleotide variant.
Coding change: c.284G>A on transcript NM_178170.3 (MANE Select); coding-DNA position 284, G replaced by A.
Protein change: p.Arg95His; replaces arginine 95 with histidine.
Molecular consequence: missense variant.
Genome position (GRCh38, 1-based): chr17:28,734,802, G>A. VCF-style: chr17-28734802-G-A. GRCh37 (hg19) VCF-style: chr17-27061820-G-A.
Other names: short protein forms R95H.
Identifiers: ClinVar variation 2194342 (VCV002194342.4), dbSNP rs747401624, ClinGen allele CA8467057.

ClinVar aggregate classification (germline): Uncertain significance (1 of 4 stars; one submission).

Conditions:
Nephronophthisis 9 (NPHP9). Identifiers: Orphanet 655, MedGen C3151188, MONDO:0013444, OMIM 613824.

Allele frequency attached by ClinVar (database versions not stated): gnomAD exomes below 0.00001; TOPMed below 0.00001; ExAC 0.00002.
gnomAD v4.1: 7 of 1,613,824 alleles (0.00043%); highest among the groups gnomAD compares: Middle Eastern, 0.016%; no homozygotes.

Submission:

Labcorp Genetics (formerly Invitae), Labcorp
Classification: Uncertain significance for Nephronophthisis 9. Last evaluated: 2022-06-28. Review status: criteria provided, single submitter. Criteria: Invitae Variant Classification Sherloc (09022015). Collection method: clinical testing. Allele origin: germline.
Comment: This sequence change replaces arginine, which is basic and polar, with histidine, which is basic and polar, at codon 95 of the NEK8 protein (p.Arg95His). This variant is present in population databases (rs747401624, gnomAD 0.007%). This variant has not been reported in the literature in individuals affected with NEK8-related conditions. Algorithms developed to predict the effect of missense changes on protein structure and function (SIFT, PolyPhen-2, Align-GVGD) all suggest that this variant is likely to be disruptive. In summary, the available evidence is currently insufficient to determine the role of this variant in disease. Therefore, it has been classified as a Variant of Uncertain Significance.